The following is an entry in ClinVar:

ClinVar aggregate classification (germline): Conflicting classifications of pathogenicity. Review status: criteria provided, conflicting classifications (1 of 4 stars). 4 submissions from 4 submitters: Uncertain significance (3); Likely benign (1). Last evaluated 2026-08-07.

Conditions:
LRTOMT-related disorder. Also called: LRTOMT-related condition.
Inborn genetic diseases. Identifiers: MedGen C0950123, MeSH D030342.

Allele frequency attached by ClinVar (database versions not stated): gnomAD 0.00012 and 0.00014; TOPMed 0.00011; gnomAD exomes 0.00001.
gnomAD v4.1: 37 of 1,548,406 alleles (0.0024%); highest among the groups gnomAD compares: African/African-American, 0.04%; no homozygotes.

Submissions (4):

PreventionGenetics, part of Exact Sciences
Classification: Uncertain significance for LRTOMT-related condition. Last evaluated: 2026-08-07. Review status: criteria provided, single submitter. Criteria: ACMG Guidelines, 2015. Collection method: clinical testing. Allele origin: germline.
Comment: The LRTOMT c.844A>C variant is predicted to result in the amino acid substitution p.Ile282Leu. To our knowledge, this variant has not been reported in the literature. This variant is reported in 0.030% of alleles in individuals of African descent in gnomAD. At this time, the clinical significance of this variant is uncertain due to the absence of conclusive functional and genetic evidence.

Ambry Genetics
Classification: Uncertain significance for Inborn genetic diseases. Last evaluated: 2025-12-09. Review status: criteria provided, single submitter. Criteria: Ambry Variant Classification Scheme 2023. Collection method: clinical testing. Allele origin: germline.

GeneDx
Classification: Uncertain significance. Last evaluated: 2025-06-26. Review status: criteria provided, single submitter. Criteria: GeneDx Variant Classification Process June 2021. Collection method: clinical testing. Allele origin: germline. Affected: yes.
Comment: In silico analysis suggests that this missense variant does not alter protein structure/function; Has not been previously published as pathogenic or benign to our knowledge

Laboratory for Molecular Medicine, Mass General Brigham Personalized Medicine
Classification: Likely benign. Last evaluated: 2013-05-31. Review status: criteria provided, single submitter. Criteria: LMM Criteria. Collection method: clinical testing. Allele origin: germline. Observed: 1 variant allele.
Comment: Ile282Leu in exon 7 of LRTOMT: This variant is not expected to have clinical sig nificance due to a lack of conservation across species, including mammals. Of no te, shrew, wallaby and opossum have a leucine (Leu) at this position despite hig h nearby amino acid conservation. In addition, computational analyses (PolyPhen2 , SIFT, AlignGVGD) do not suggest a high likelihood of impact to the protein.

NM_001145308.5(LRTOMT):c.844A>C (p.Ile282Leu)

Genes: ANAPC15 (anaphase promoting complex subunit 15; minus strand), LRTOMT (leucine rich transmembrane and O-methyltransferase domain containing; plus strand), TOMT (transmembrane O-methyltransferase; plus strand). Cytogenetic location: 11q13.4.
Variant type: single nucleotide variant.
Coding change: c.844A>C on transcript NM_001145308.5; coding-DNA position 844, A replaced by C.
Protein change: p.Ile282Leu; replaces isoleucine 282 with leucine.
Molecular consequence: missense variant. On other transcripts: intron variant (10).
Genome position (GRCh38, 1-based): chr11:72,108,893, A>C. VCF-style: chr11-72108893-A-C. GRCh37 (hg19) VCF-style: chr11-71819939-A-C.
Other names: c.745A>C, p.Ile249Leu (NM_001393500.2); c.844A>C, p.Ile282Leu (NM_001145309.4); c.724A>C, p.Ile242Leu (NM_001145310.4); c.63+1195T>G (NM_001393459.1); c.318+1195T>G (NM_001393430.1, NM_001393429.1, NM_001393428.1 and 3 more transcripts); c.319-18T>G (NM_001393443.1, NM_001393445.1, NM_001393444.1); short protein forms I282L, I242L, I249L.
Identifiers: ClinVar variation 163944 (VCV000163944.8), dbSNP rs727503153, ClinGen allele CA176674.